The following is an entry in ClinVar:

NM_005045.4(RELN):c.5251A>T (p.Thr1751Ser)

Gene: RELN (reelin; minus strand). Cytogenetic location: 7q22.1.
Variant type: single nucleotide variant.
Coding change: c.5251A>T on transcript NM_005045.4 (MANE Select); coding-DNA position 5251, A replaced by T.
Protein change: p.Thr1751Ser; replaces threonine 1751 with serine.
Molecular consequence: missense variant.
Genome position (GRCh38, 1-based): chr7:103,561,913, T>A on the plus strand (A>T on the coding strand, the complement: RELN is on the minus strand). VCF-style: chr7-103561913-T-A. GRCh37 (hg19) VCF-style: chr7-103202360-T-A.
Other names: c.5251A>T, p.Thr1751Ser (NM_173054.3); short protein forms T1751S.
Identifiers: ClinVar variation 3338914 (VCV003338914.1).

ClinVar aggregate classification (germline): Uncertain significance (1 of 4 stars; one submission).

Submission:

Women's Health and Genetics/Laboratory Corporation of America, LabCorp
Classification: Uncertain significance. Last evaluated: 2024-07-12. Review status: criteria provided, single submitter. Criteria: LabCorp Variant Classification Summary - May 2015. Collection method: clinical testing. Allele origin: germline.
Comment: Variant summary: RELN c.5251A>T (p.Thr1751Ser) results in a conservative amino acid change in the encoded protein sequence. Five of five in-silico tools predict a benign effect of the variant on protein function. The variant was absent in 250898 control chromosomes. The available data on variant occurrences in the general population are insufficient to allow any conclusion about variant significance. To our knowledge, no occurrence of c.5251A>T in individuals affected with Epilepsy Familial Temporal Lobe 7 and no experimental evidence demonstrating its impact on protein function have been reported. No submitters have cited clinical-significance assessments for this variant to ClinVar. Based on the evidence outlined above, the variant was classified as uncertain significance.